The following is an entry in ClinVar:

ClinVar aggregate classification (germline): Uncertain significance. Review status: criteria provided, single submitter (1 of 4 stars). 2 submissions from 2 submitters: Uncertain significance (1). 1 of the submissions does not count toward it. Last evaluated 2017-01-17.

Conditions:
Primary ciliary dyskinesia. Also called: Ciliary dyskinesia. Identifiers: Orphanet 244, MedGen C0008780, MONDO:0016575, HP:0012265.

Allele frequency attached by ClinVar (database versions not stated): gnomAD exomes below 0.00001.
gnomAD v4.1: 3 of 1,614,142 alleles (0.00019%); highest among the groups gnomAD compares: African/African-American, 0.0013%; no homozygotes.

Submissions (2):

Labcorp Genetics (formerly Invitae), Labcorp
Classification: Uncertain significance for Primary ciliary dyskinesia. Last evaluated: 2017-01-17. Review status: criteria provided, single submitter. Criteria: Invitae Variant Classification Sherloc (09022015). Collection method: clinical testing. Allele origin: germline.
Comment: In summary, this variant is a rare missense change with uncertain impact on protein function. While it is absent from the population and reported in affected individuals, the available evidence is currently insufficient to determine its role in disease. Therefore, it has been classified as a Variant of Uncertain Significance. Algorithms developed to predict the effect of sequence changes on RNA splicing suggest that this variant may alter RNA splicing, but this prediction has not been confirmed by published transcriptional studies. Algorithms developed to predict the effect of missense changes on protein structure and function do not agree on the potential impact of this missense change (SIFT: "Tolerated"; PolyPhen-2: "Probably Damaging"; Align-GVGD: "Class C0"). This variant has been reported in an individual affected with primary ciliary dyskinesia (PMID: 21143860). While it is unknown if these two variants are on the same or opposite chromosomes, this observation suggests the c.1538T>C substitution may contribute to the cause of disease. This variant is not present in population databases (ExAC no frequency). This sequence change replaces leucine with proline at codon 513 of the DNAI1 protein (p.Leu513Pro). The leucine residue is moderately conserved and there is a moderate physicochemical difference between leucine and proline.

Natera, Inc.
Classification: Uncertain significance for Primary ciliary dyskinesia. Last evaluated: 2020-09-30. Review status: no assertion criteria provided. Collection method: clinical testing. Allele origin: germline. Not counted in ClinVar's aggregate classification.

Literature cited by the submitters: PubMed 21143860 (cited by Labcorp Genetics (formerly Invitae), Labcorp).

NM_012144.4(DNAI1):c.1538T>C (p.Leu513Pro)

Gene: DNAI1 (dynein axonemal intermediate chain 1; plus strand). Cytogenetic location: 9p13.3.
Variant type: single nucleotide variant.
Coding change: c.1538T>C on transcript NM_012144.4 (MANE Select); coding-DNA position 1538, T replaced by C.
Protein change: p.Leu513Pro; replaces leucine 513 with proline.
Molecular consequence: missense variant.
Genome position (GRCh38, 1-based): chr9:34,513,160, T>C. VCF-style: chr9-34513160-T-C. GRCh37 (hg19) VCF-style: chr9-34513158-T-C.
Other names: c.1550T>C, p.Leu517Pro (NM_001281428.2); short protein forms L513P, L517P.
Identifiers: ClinVar variation 454828 (VCV000454828.12), dbSNP rs1554691352, ClinGen allele CA373261770.